The following is an entry in ClinVar:

NM_021956.5(GRIK2):c.2705dup (p.Gly903fs)

Gene: GRIK2 (glutamate ionotropic receptor kainate type subunit 2; plus strand). Cytogenetic location: 6q16.3.
Variant type: Duplication.
Coding change: c.2705dup on transcript NM_021956.5 (MANE Select); coding-DNA position 2705, one base duplicated (C; older notation c.2705dupC).
Protein change: p.Gly903fs; shifts the reading frame from glycine 903.
Molecular consequence: frameshift variant. On other transcripts: 3 prime UTR variant (2).
Genome position (GRCh38, 1-based): chr6:102,068,489, C duplicated; the last of 2 consecutive C bases (chr6:102,068,488-102,068,489); duplicating either gives the same sequence. VCF-style (leftmost placement, unchanged base first): chr6-102068487-G-GC. GRCh37 (hg19) VCF-style: chr6-102516362-G-GC.
Other names: c.*158dup (NM_001166247.1); c.*182dup (NM_175768.3); short protein forms G903fs.
Identifiers: ClinVar variation 3573839 (VCV003573839.1).

ClinVar aggregate classification (germline): Uncertain significance (1 of 4 stars; one submission).

Submission:

GeneDx
Classification: Uncertain significance. Last evaluated: 2024-07-19. Review status: criteria provided, single submitter. Criteria: GeneDx Variant Classification Process June 2021. Collection method: clinical testing. Allele origin: germline. Affected: yes.
Comment: Not observed at significant frequency in large population cohorts (gnomAD); Frameshift variant predicted to result in abnormal protein length as the last 6 amino acids are replaced with 1 different amino acids; Has not been previously published as pathogenic or benign to our knowledge